The following is an entry in ClinVar:

NM_006488.3(KHK):c.*767C>T

Genes: CGREF1 (cell growth regulator with EF-hand domain 1; minus strand), KHK (ketohexokinase; plus strand). Cytogenetic location: 2p23.3.
Variant type: single nucleotide variant.
Coding change: c.*767C>T on transcript NM_006488.3 (MANE Select); 767 bases downstream of the stop codon, C replaced by T.
Molecular consequence: 3 prime UTR variant. On other transcripts: synonymous variant (1), intron variant (1).
Genome position (GRCh38, 1-based): chr2:27,100,517, C>T. VCF-style: chr2-27100517-C-T. GRCh37 (hg19) VCF-style: chr2-27323385-C-T.
Other names: c.312G>A, p.Leu104= (NM_001301324.2); c.*767C>T (NM_000221.3); c.343-677G>A (NM_001166240.2).
Identifiers: ClinVar variation 335515 (VCV000335515.8), dbSNP rs1131375, ClinGen allele CA1569529.

ClinVar aggregate classification (germline): Benign. Review status: criteria provided, multiple submitters, no conflicts (2 of 4 stars). 2 submissions from 2 submitters: Benign (2). Last evaluated 2018-01-12.

Conditions:
Essential fructosuria. Also called: KETOHEXOKINASE DEFICIENCY; HEPATIC FRUCTOKINASE DEFICIENCY. Identifiers: Orphanet 2056, MedGen C0268160, MONDO:0009252, OMIM 229800.

Allele frequency attached by ClinVar (database versions not stated): gnomAD 0.32419 and 0.32404; 1000 Genomes Project 0.29173; 1000 Genomes Project 30x 0.29403; ESP Exome Variant Server 0.30289; gnomAD exomes 0.36339 and 0.38280; ExAC 0.32872; TOPMed 0.33638.
gnomAD v4.1: 462,375 of 1,289,904 alleles (36%); highest among the groups gnomAD compares: Admixed American, 56%; 85,957 homozygotes.

Submissions (2):

Illumina Laboratory Services, Illumina
Classification: Benign for Essential fructosuria. Last evaluated: 2018-01-12. Review status: criteria provided, single submitter. Criteria: ICSL Variant Classification Criteria 13 December 2019. Collection method: clinical testing. Allele origin: germline.
Comment: This variant was observed in the ICSL laboratory as part of a predisposition screen in an ostensibly healthy population. It had not been previously curated by ICSL or reported in the Human Gene Mutation Database (HGMD: prior to June 1st, 2018), and was therefore a candidate for classification through an automated scoring system. Utilizing variant allele frequency, disease prevalence and penetrance estimates, and inheritance mode, an automated score was calculated to assess if this variant is too frequent to cause the disease. Based on the score and internal cut-off values, a variant classified as benign is not then subjected to further curation. The score for this variant resulted in a classification of benign for this disease.

Breakthrough Genomics
Classification: Benign. Review status: criteria provided, single submitter. Criteria: ACMG Guidelines, 2015. Collection method: not provided. Allele origin: germline. Inheritance: Autosomal recessive inheritance. Affected: yes.